The following is an entry in ClinVar:

NM_006767.4(LZTR1):c.1798A>G (p.Asn600Asp)

Gene: LZTR1 (leucine zipper like post translational regulator 1; plus strand). Cytogenetic location: 22q11.21.
Variant type: single nucleotide variant.
Coding change: c.1798A>G on transcript NM_006767.4 (MANE Select); coding-DNA position 1798, A replaced by G.
Protein change: p.Asn600Asp; replaces asparagine 600 with aspartic acid.
Molecular consequence: missense variant.
Genome position (GRCh38, 1-based): chr22:20,994,882, A>G. VCF-style: chr22-20994882-A-G. GRCh37 (hg19) VCF-style: chr22-21349171-A-G.
Other names: short protein forms N600D.
Identifiers: ClinVar variation 2457851 (VCV002457851.3), dbSNP rs2518622319, ClinGen allele CA410778473.

ClinVar aggregate classification (germline): Uncertain significance (1 of 4 stars; one submission).

Conditions:
Hereditary cancer-predisposing syndrome. Also called: Neoplastic Syndromes, Hereditary; Hereditary neoplastic syndrome; Tumor predisposition; Hereditary Cancer Syndrome. Identifiers: Orphanet 140162, MedGen C0027672, MeSH D009386, MONDO:0015356.
Cardiovascular phenotype. Identifiers: MedGen CN230736.

Allele frequency attached by ClinVar (database versions not stated): gnomAD exomes below 0.00001.
gnomAD v4.1: 1 of 1,613,292 alleles (0.000062%); highest among the groups gnomAD compares: Non-Finnish European, 0.000085%; no homozygotes.

Submission:

Ambry Genetics
Classification: Uncertain significance for Cardiovascular phenotype; Hereditary cancer-predisposing syndrome. Last evaluated: 2025-04-03. Review status: criteria provided, single submitter. Criteria: Ambry Variant Classification Scheme 2023. Collection method: clinical testing. Allele origin: germline.
Comment: The p.N600D variant (also known as c.1798A>G), located in coding exon 16 of the LZTR1 gene, results from an A to G substitution at nucleotide position 1798. The asparagine at codon 600 is replaced by aspartic acid, an amino acid with highly similar properties. This amino acid position is highly conserved in available vertebrate species. In addition, this alteration is predicted to be tolerated by in silico analysis. Based on the available evidence, the clinical significance of this variant remains unclear.